The following is an entry in ClinVar:

NM_003504.5(CDC45):c.751C>T (p.Arg251Cys)

Gene: CDC45 (cell division cycle 45; plus strand). Cytogenetic location: 22q11.21.
Variant type: single nucleotide variant.
Coding change: c.751C>T on transcript NM_003504.5 (MANE Select); coding-DNA position 751, C replaced by T.
Protein change: p.Arg251Cys; replaces arginine 251 with cysteine.
Molecular consequence: missense variant. On other transcripts: non-coding transcript variant (1).
Genome position (GRCh38, 1-based): chr22:19,505,408, C>T. VCF-style: chr22-19505408-C-T. GRCh37 (hg19) VCF-style: chr22-19492931-C-T.
Other names: c.847C>T, p.Arg283Cys (NM_001178010.2); c.613C>T, p.Arg205Cys (NM_001178011.2); c.715C>T, p.Arg239Cys (NM_001369291.1); short protein forms R205C, R239C, R251C, R283C.
Identifiers: ClinVar variation 4886229 (VCV004886229.2).

ClinVar aggregate classification (germline): Uncertain significance (1 of 4 stars; one submission).

gnomAD v4.1: 20 of 1,613,998 alleles (0.0012%); highest among the groups gnomAD compares: East Asian, 0.0022%; no homozygotes.

Submission:

Dasa
Classification: Uncertain significance. Last evaluated: 2025-04-02. Review status: criteria provided, single submitter. Criteria: DASA Assertion Criteria. Collection method: clinical testing. Allele origin: germline.
Comment: NM_003504.5(CDC45):c.751C>T (p.Arg251Cys) is a missense variant that results in the substitution of arginine with cysteine. This variant is rare in population databases. Computational prediction algorithms are consistent with a deleterious effect. The currently available literature and clinical evidence are not sufficient to establish a definitive association between this variant and the reported condition. Therefore, this variant is classified as a variant of uncertain significance.